The following is an entry in ClinVar:

ClinVar aggregate classification (germline): Likely benign (0 of 4 stars; one submission).

Conditions:
STXBP5-related disorder. Also called: STXBP5-related condition.

Allele frequency attached by ClinVar (database versions not stated): gnomAD exomes 0.00012; ExAC 0.00014; gnomAD 0.00021; TOPMed 0.00022; ESP Exome Variant Server 0.00031.
gnomAD v4.1: 213 of 1,613,920 alleles (0.013%); highest among the groups gnomAD compares: Middle Eastern, 0.049%; no homozygotes.

Submission:

PreventionGenetics, part of Exact Sciences
Classification: Likely benign for STXBP5-related condition. Last evaluated: 2019-11-07. Review status: no assertion criteria provided. Collection method: clinical testing. Allele origin: germline.
Comment: This variant is classified as likely benign based on ACMG/AMP sequence variant interpretation guidelines (Richards et al. 2015 PMID: 25741868, with internal and published modifications).

NM_001127715.4(STXBP5):c.2406G>A (p.Thr802=)

Gene: STXBP5 (syntaxin binding protein 5; plus strand). Cytogenetic location: 6q24.3.
Variant type: single nucleotide variant.
Coding change: c.2406G>A on transcript NM_001127715.4 (MANE Select); coding-DNA position 2406, G replaced by A.
Protein change: p.Thr802=; no amino-acid change (threonine 802 retained).
Molecular consequence: synonymous variant.
Genome position (GRCh38, 1-based): chr6:147,359,184, G>A. VCF-style: chr6-147359184-G-A. GRCh37 (hg19) VCF-style: chr6-147680320-G-A.
Other names: c.2358G>A, p.Thr786= (NM_001394409.1); c.2298G>A, p.Thr766= (NM_139244.6).
Identifiers: ClinVar variation 3044211 (VCV003044211.2), dbSNP rs142207202, ClinGen allele CA4039286.